The following is an entry in ClinVar:

ClinVar aggregate classification (germline): Uncertain significance (1 of 4 stars; one submission).

Conditions:
Intellectual disability, autosomal recessive 53 (NEDHSCA). Also called: GLYCOSYLPHOSPHATIDYLINOSITOL BIOSYNTHESIS DEFECT 13; Mental retardation, autosomal recessive 53; NEURODEVELOPMENTAL DISORDER WITH OR WITHOUT HYPOTONIA, SEIZURES, AND CEREBELLAR ATROPHY. Identifiers: Orphanet 488635, MedGen C4310794, MONDO:0014832, OMIM 616917.

Submission:

Labcorp Genetics (formerly Invitae), Labcorp
Classification: Uncertain significance for Intellectual disability, autosomal recessive 53. Last evaluated: 2022-08-16. Review status: criteria provided, single submitter. Criteria: Invitae Variant Classification Sherloc (09022015). Collection method: clinical testing. Allele origin: germline.
Comment: In summary, the available evidence is currently insufficient to determine the role of this variant in disease. Therefore, it has been classified as a Variant of Uncertain Significance. Algorithms developed to predict the effect of missense changes on protein structure and function are either unavailable or do not agree on the potential impact of this missense change (SIFT: "Deleterious"; PolyPhen-2: "Probably Damaging"; Align-GVGD: "Class C0"). ClinVar contains an entry for this variant (Variation ID: 1384540). This variant has not been reported in the literature in individuals affected with PIGG-related conditions. This variant is not present in population databases (gnomAD no frequency). This sequence change replaces leucine, which is neutral and non-polar, with phenylalanine, which is neutral and non-polar, at codon 262 of the PIGG protein (p.Leu262Phe).

NM_001127178.3(PIGG):c.786G>T (p.Leu262Phe)

Gene: PIGG (phosphatidylinositol glycan anchor biosynthesis class G (EMM blood group); plus strand). Cytogenetic location: 4p16.3.
Variant type: single nucleotide variant.
Coding change: c.786G>T on transcript NM_001127178.3 (MANE Select); coding-DNA position 786, G replaced by T.
Protein change: p.Leu262Phe; replaces leucine 262 with phenylalanine.
Molecular consequence: missense variant. On other transcripts: 5 prime UTR variant (3), non-coding transcript variant (10), intron variant (1).
Genome position (GRCh38, 1-based): chr4:508,855, G>T. VCF-style: chr4-508855-G-T. GRCh37 (hg19) VCF-style: chr4-502644-G-T.
Other names: c.519G>T, p.Leu173Phe (NM_001289053.2, NM_001289057.2, NM_001345986.2 and 2 more transcripts); c.420G>T, p.Leu140Phe (NM_001289055.2); c.786G>T, p.Leu262Phe (NM_001345989.2, NM_017733.5); c.-840G>T (NM_001345990.2); c.-702G>T (NM_001345991.2); c.-427G>T (NM_001345994.2); c.387G>T, p.Leu129Phe (NM_001289052.2); c.-129+1262G>T (NM_001345988.2); short protein forms L140F, L262F, L129F, L173F.
Identifiers: ClinVar variation 1384540 (VCV001384540.6), dbSNP rs2108814975, ClinGen allele CA355899791.